The following is an entry in ClinVar:

NM_000179.3(MSH6):c.-6G>A

Gene: MSH6 (mutS homolog 6; plus strand). Cytogenetic location: 2p16.3.
Variant type: single nucleotide variant.
Coding change: c.-6G>A on transcript NM_000179.3 (MANE Select); 6 bases upstream of the start codon, G replaced by A.
Molecular consequence: 5 prime UTR variant.
Genome position (GRCh38, 1-based): chr2:47,783,228, G>A. VCF-style: chr2-47783228-G-A. GRCh37 (hg19) VCF-style: chr2-48010367-G-A.
Other names: c.-6G>A (NM_001281492.2); c.-742G>A (NM_001281493.2).
Identifiers: ClinVar variation 630667 (VCV000630667.9), dbSNP rs730881822, ClinGen allele CA913187941.

ClinVar aggregate classification (germline): Uncertain significance. Review status: criteria provided, multiple submitters, no conflicts (2 of 4 stars). 2 submissions from 2 submitters: Uncertain significance (2). Last evaluated 2020-10-29.

Conditions:
Hereditary cancer-predisposing syndrome. Also called: Tumor predisposition; Neoplastic Syndromes, Hereditary; Hereditary neoplastic syndrome; Hereditary Cancer Syndrome. Identifiers: Orphanet 140162, MedGen C0027672, MeSH D009386, MONDO:0015356.

gnomAD v4.1: 2 of 1,611,292 alleles (0.00012%); highest among the groups gnomAD compares: Non-Finnish European, 0.00017%; no homozygotes.

Submissions (2):

Color Diagnostics, LLC DBA Color Health
Classification: Uncertain significance for Hereditary cancer-predisposing syndrome. Last evaluated: 2020-10-29. Review status: criteria provided, single submitter. Criteria: ACMG Guidelines, 2015. Collection method: clinical testing. Allele origin: germline.
Comment: This variant is located in the 5â€šÃ„Ã´ untranslated region of the MSH6 gene. To our knowledge, functional studies have not been reported for this variant. This variant has not been reported in individuals affected with hereditary cancer in the literature. This variant has not been identified in the general population by the Genome Aggregation Database (gnomAD). The available evidence is insufficient to determine the role of this variant in disease conclusively. Therefore, this variant is classified as a Variant of Uncertain Significance.

GeneDx
Classification: Uncertain significance. Last evaluated: 2020-08-10. Review status: criteria provided, single submitter. Criteria: GeneDx Variant Classification Process June 2021. Collection method: clinical testing. Allele origin: germline. Affected: yes.
Comment: Describes a nucleotide substitution 6 base pairs upstream of the ATG translational start site of the MSH6 gene, occurring in the Kozak sequence, the conserved nucleotides just upstream of the ATG start codon, which play a major role in the initiation of translation; Not observed in large population cohorts (Lek 2016); Nucleotide substitution has no predicted effect on splicing and is not conserved across species; Has not been previously published as pathogenic or benign to our knowledge